The following is an entry in ClinVar:

NM_001853.4(COL9A3):c.346-5T>G

Gene: COL9A3 (collagen type IX alpha 3 chain; plus strand). Cytogenetic location: 20q13.33.
Variant type: single nucleotide variant.
Coding change: c.346-5T>G on transcript NM_001853.4 (MANE Select); 5 bases into the intron before coding-DNA position 346, T replaced by G.
Molecular consequence: intron variant.
Genome position (GRCh38, 1-based): chr20:62,821,502, T>G. VCF-style: chr20-62821502-T-G. GRCh37 (hg19) VCF-style: chr20-61452854-T-G.
Identifiers: ClinVar variation 4711774 (VCV004711774.1).

ClinVar aggregate classification (germline): Uncertain significance (1 of 4 stars; one submission).

Submission:

Labcorp Genetics (formerly Invitae), Labcorp
Classification: Uncertain significance. Last evaluated: 2025-03-30. Review status: criteria provided, single submitter. Criteria: Invitae Variant Classification Sherloc (09022015). Collection method: clinical testing. Allele origin: germline.
Comment: This sequence change falls in intron 6 of the COL9A3 gene. It does not directly change the encoded amino acid sequence of the COL9A3 protein. This variant is not present in population databases (gnomAD no frequency). This variant has not been reported in the literature in individuals affected with COL9A3-related conditions. Algorithms developed to predict the effect of sequence changes on RNA splicing suggest that this variant may disrupt the consensus splice site. In summary, the available evidence is currently insufficient to determine the role of this variant in disease. Therefore, it has been classified as a Variant of Uncertain Significance.